The following is an entry in ClinVar:

NM_018076.5(ODAD2):c.242C>T (p.Ser81Leu)

Gene: ODAD2 (outer dynein arm docking complex subunit 2; minus strand). Cytogenetic location: 10p12.1.
Variant type: single nucleotide variant.
Coding change: c.242C>T on transcript NM_018076.5 (MANE Select); coding-DNA position 242, C replaced by T.
Protein change: p.Ser81Leu; replaces serine 81 with leucine.
Molecular consequence: missense variant.
Genome position (GRCh38, 1-based): chr10:27,987,526, G>A on the plus strand (C>T on the coding strand, the complement: ODAD2 is on the minus strand). VCF-style: chr10-27987526-G-A. GRCh37 (hg19) VCF-style: chr10-28276455-G-A.
Other names: c.242C>T, p.Ser81Leu (NM_001290020.2); short protein forms S81L.
Identifiers: ClinVar variation 571422 (VCV000571422.8), dbSNP rs769690437, ClinGen allele CA5453866.

ClinVar aggregate classification (germline): Uncertain significance (1 of 4 stars; one submission).

Conditions:
Primary ciliary dyskinesia 23 (CILD23). Also called: CILIARY DYSKINESIA, PRIMARY, 23, WITH OR WITHOUT SITUS INVERSUS. Identifiers: Orphanet 244, MedGen C3809548, MONDO:0014193, OMIM 615451.

Allele frequency attached by ClinVar (database versions not stated): gnomAD exomes below 0.00001; ExAC 0.00001.
gnomAD v4.1: 5 of 1,609,044 alleles (0.00031%); highest among the groups gnomAD compares: South Asian, 0.0033%; no homozygotes.

Submission:

Labcorp Genetics (formerly Invitae), Labcorp
Classification: Uncertain significance for Primary ciliary dyskinesia 23. Last evaluated: 2022-08-16. Review status: criteria provided, single submitter. Criteria: Invitae Variant Classification Sherloc (09022015). Collection method: clinical testing. Allele origin: germline.
Comment: This sequence change replaces serine, which is neutral and polar, with leucine, which is neutral and non-polar, at codon 81 of the ARMC4 protein (p.Ser81Leu). This variant is present in population databases (rs769690437, gnomAD 0.003%). This variant has not been reported in the literature in individuals affected with ARMC4-related conditions. ClinVar contains an entry for this variant (Variation ID: 571422). Algorithms developed to predict the effect of missense changes on protein structure and function are either unavailable or do not agree on the potential impact of this missense change (SIFT: "Deleterious"; PolyPhen-2: "Probably Damaging"; Align-GVGD: "Class C0"). Algorithms developed to predict the effect of sequence changes on RNA splicing suggest that this variant may disrupt the consensus splice site. In summary, the available evidence is currently insufficient to determine the role of this variant in disease. Therefore, it has been classified as a Variant of Uncertain Significance.